The following is an entry in ClinVar:

ClinVar aggregate classification (germline): Benign (0 of 4 stars; one submission).

Conditions:
SRPK2-related disorder. Also called: SRPK2-related condition.

Allele frequency attached by ClinVar (database versions not stated): 1000 Genomes Project 30x 0.00234; gnomAD 0.00051; ExAC 0.00041; TOPMed 0.00067; 1000 Genomes Project 0.00140.
gnomAD v4.1: 324 of 1,274,522 alleles (0.025%); highest among the groups gnomAD compares: East Asian, 1.9%; 1 homozygote.

Submission:

PreventionGenetics, part of Exact Sciences
Classification: Benign for SRPK2-related condition. Last evaluated: 2019-06-13. Review status: no assertion criteria provided. Collection method: clinical testing. Allele origin: germline.
Comment: This variant is classified as benign based on ACMG/AMP sequence variant interpretation guidelines (Richards et al. 2015 PMID: 25741868, with internal and published modifications).

NM_001350740.2(SRPK2):c.95C>T (p.Ala32Val)

Genes: SRPK2 (SRSF protein kinase 2; minus strand), LOC129999085 (ATAC-STARR-seq lymphoblastoid silent region 18521; plus strand). Cytogenetic location: 7q22.3.
Variant type: single nucleotide variant.
Coding change: c.95C>T on transcript NM_001350740.2; coding-DNA position 95, C replaced by T.
Protein change: p.Ala32Val; replaces alanine 32 with valine.
Molecular consequence: missense variant. On other transcripts: 5 prime UTR variant (2).
Genome position (GRCh38, 1-based): chr7:105,389,276, G>A on the plus strand (C>T on the coding strand, the complement: SRPK2 is on the minus strand). VCF-style: chr7-105389276-G-A. GRCh37 (hg19) VCF-style: chr7-105029723-G-A.
Other names: c.-3C>T (NM_001350742.2, NM_001350746.2); short protein forms A32V.
Identifiers: ClinVar variation 3033841 (VCV003033841.2), dbSNP rs190731348, ClinGen allele CA4425693.